The following is an entry in ClinVar:

ClinVar aggregate classification (germline): Uncertain significance. Review status: criteria provided, multiple submitters, no conflicts (2 of 4 stars). 3 submissions from 3 submitters: Uncertain significance (3). Last evaluated 2025-03-05.

Allele frequency attached by ClinVar (database versions not stated): gnomAD exomes below 0.00001; ExAC 0.00001; gnomAD 0.00002; TOPMed 0.00003.
gnomAD v4.1: 11 of 1,613,762 alleles (0.00068%); highest among the groups gnomAD compares: African/African-American, 0.0053%; no homozygotes.

Submissions (3):

Labcorp Genetics (formerly Invitae), Labcorp
Classification: Uncertain significance. Last evaluated: 2025-03-05. Review status: criteria provided, single submitter. Criteria: Invitae Variant Classification Sherloc (09022015). Collection method: clinical testing. Allele origin: germline.
Comment: This sequence change replaces arginine, which is basic and polar, with glutamine, which is neutral and polar, at codon 785 of the PRPF6 protein (p.Arg785Gln). This variant is present in population databases (rs772093706, gnomAD 0.006%). This variant has not been reported in the literature in individuals affected with PRPF6-related conditions. ClinVar contains an entry for this variant (Variation ID: 1953751). Invitae Evidence Modeling of protein sequence and biophysical properties (such as structural, functional, and spatial information, amino acid conservation, physicochemical variation, residue mobility, and thermodynamic stability) indicates that this missense variant is not expected to disrupt PRPF6 protein function with a negative predictive value of 80%. In summary, the available evidence is currently insufficient to determine the role of this variant in disease. Therefore, it has been classified as a Variant of Uncertain Significance.

Blueprint Genetics
Classification: Uncertain significance. Last evaluated: 2023-06-28. Review status: criteria provided, single submitter. Criteria: ACMG Guidelines, 2015. Collection method: clinical testing. Allele origin: germline.

Ambry Genetics
Classification: Uncertain significance. Last evaluated: 2021-10-20. Review status: criteria provided, single submitter. Criteria: Ambry Variant Classification Scheme 2023. Collection method: clinical testing. Allele origin: germline.

NM_012469.4(PRPF6):c.2354G>A (p.Arg785Gln)

Gene: PRPF6 (pre-mRNA processing factor 6; plus strand). Cytogenetic location: 20q13.33.
Variant type: single nucleotide variant.
Coding change: c.2354G>A on transcript NM_012469.4 (MANE Select); coding-DNA position 2354, G replaced by A.
Protein change: p.Arg785Gln; replaces arginine 785 with glutamine.
Molecular consequence: missense variant.
Genome position (GRCh38, 1-based): chr20:64,028,492, G>A. VCF-style: chr20-64028492-G-A. GRCh37 (hg19) VCF-style: chr20-62659845-G-A.
Other names: short protein forms R785Q.
Identifiers: ClinVar variation 1953751 (VCV001953751.7), dbSNP rs772093706, ClinGen allele CA9972451.
Genomic context (GRCh38, chr20:64,028,492, plus strand): 5'-GCTGTTGGTAGACGGCTGTGGGACCTCCGGGGGCCTGTCTCCTCAGGTTGGAGTCCGTGC[G>A]GCTGGAGTACCGTGCGGGGCTGAAGAACATCGCAAATACACTCATGGCCAAGGCGCTGCA-3'
Protein context (NP_036601.2, residues 775-795): KNPGLWLESV[Arg785Gln]LEYRAGLKNI